The following is an entry in ClinVar:

NM_058216.3(RAD51C):c.571+8A>G

Gene: RAD51C (RAD51 paralog C; plus strand). Cytogenetic location: 17q22.
Variant type: single nucleotide variant.
Coding change: c.571+8A>G on transcript NM_058216.3 (MANE Select); 8 bases into the intron after coding-DNA position 571, A replaced by G.
Molecular consequence: intron variant.
Genome position (GRCh38, 1-based): chr17:58,696,867, A>G. VCF-style: chr17-58696867-A-G. GRCh37 (hg19) VCF-style: chr17-56774228-A-G.
Identifiers: ClinVar variation 3904763 (VCV003904763.1).

ClinVar aggregate classification (germline): Likely benign (1 of 4 stars; one submission).

Conditions:
Breast-ovarian cancer, familial, susceptibility to, 3. Also called: RAD51C-Related Breast/Ovarian Cancer. Identifiers: Orphanet 145, MedGen C3150659, MONDO:0013253, OMIM 613399.

Submission:

Myriad Genetics, Inc.
Classification: Likely benign for Breast-ovarian cancer, familial, susceptibility to, 3. Last evaluated: 2025-02-18. Review status: criteria provided, single submitter. Criteria: Myriad Autosomal Dominant, Autosomal Recessive and X-Linked Classification Criteria (2023). Collection method: clinical testing. Allele origin: unknown.
Comment: This variant is considered likely benign. This variant is intronic and is not expected to impact mRNA splicing.